The following is an entry in ClinVar:

NM_002617.4(PEX10):c.160G>C (p.Asp54His)

Gene: PEX10 (peroxisomal biogenesis factor 10; minus strand). Cytogenetic location: 1p36.32.
Variant type: single nucleotide variant.
Coding change: c.160G>C on transcript NM_002617.4 (MANE Select); coding-DNA position 160, G replaced by C.
Protein change: p.Asp54His; replaces aspartic acid 54 with histidine.
Molecular consequence: missense variant. On other transcripts: 5 prime UTR variant (2), non-coding transcript variant (1).
Genome position (GRCh38, 1-based): chr1:2,410,404, C>G on the plus strand (G>C on the coding strand, the complement: PEX10 is on the minus strand). VCF-style: chr1-2410404-C-G. GRCh37 (hg19) VCF-style: chr1-2341843-C-G.
Other names: c.160G>C, p.Asp54His (NM_001374425.1, NM_153818.2); c.-273G>C (NM_001374426.1, NM_001374427.1); short protein forms D54H.
Identifiers: ClinVar variation 2418085 (VCV002418085.3), dbSNP rs1289859085, ClinGen allele CA337989364.

ClinVar aggregate classification (germline): Uncertain significance (1 of 4 stars; one submission).

Conditions:
Peroxisome biogenesis disorder, complementation group 7 (CG7). Also called: Peroxisome biogenesis disorder, complementation group B. Identifiers: MedGen C1864399.

Allele frequency attached by ClinVar (database versions not stated): gnomAD exomes below 0.00001; gnomAD 0.00001; TOPMed 0.00001.
gnomAD v4.1: 4 of 1,614,046 alleles (0.00025%); highest among the groups gnomAD compares: Admixed American, 0.0017%; no homozygotes.

Submission:

Labcorp Genetics (formerly Invitae), Labcorp
Classification: Uncertain significance for Peroxisome biogenesis disorder, complementation group 7. Last evaluated: 2022-03-25. Review status: criteria provided, single submitter. Criteria: Invitae Variant Classification Sherloc (09022015). Collection method: clinical testing. Allele origin: germline.
Comment: This sequence change replaces aspartic acid, which is acidic and polar, with histidine, which is basic and polar, at codon 54 of the PEX10 protein (p.Asp54His). This variant is not present in population databases (gnomAD no frequency). This variant has not been reported in the literature in individuals affected with PEX10-related conditions. Algorithms developed to predict the effect of missense changes on protein structure and function are either unavailable or do not agree on the potential impact of this missense change (SIFT: "Deleterious"; PolyPhen-2: "Probably Damaging"; Align-GVGD: "Class C0"). In summary, the available evidence is currently insufficient to determine the role of this variant in disease. Therefore, it has been classified as a Variant of Uncertain Significance.